The following is an entry in ClinVar:

ClinVar aggregate classification (germline): Uncertain significance (1 of 4 stars; one submission).

Submission:

Labcorp Genetics (formerly Invitae), Labcorp
Classification: Uncertain significance. Last evaluated: 2022-10-08. Review status: criteria provided, single submitter. Criteria: Invitae Variant Classification Sherloc (09022015). Collection method: clinical testing. Allele origin: germline.
Comment: This sequence change replaces arginine, which is basic and polar, with proline, which is neutral and non-polar, at codon 786 of the BCL11B protein (p.Arg786Pro). This variant is not present in population databases (gnomAD no frequency). In summary, the available evidence is currently insufficient to determine the role of this variant in disease. Therefore, it has been classified as a Variant of Uncertain Significance. Advanced modeling of protein sequence and biophysical properties (such as structural, functional, and spatial information, amino acid conservation, physicochemical variation, residue mobility, and thermodynamic stability) performed at Invitae indicates that this missense variant is not expected to disrupt BCL11B protein function. ClinVar contains an entry for this variant (Variation ID: 1472650). This variant has not been reported in the literature in individuals affected with BCL11B-related conditions.

NM_138576.4(BCL11B):c.2357G>C (p.Arg786Pro)

Gene: BCL11B (BCL11 transcription factor B; minus strand). Cytogenetic location: 14q32.2.
Variant type: single nucleotide variant.
Coding change: c.2357G>C on transcript NM_138576.4 (MANE Select); coding-DNA position 2357, G replaced by C.
Protein change: p.Arg786Pro; replaces arginine 786 with proline.
Molecular consequence: missense variant.
Genome position (GRCh38, 1-based): chr14:99,174,479, C>G on the plus strand (G>C on the coding strand, the complement: BCL11B is on the minus strand). VCF-style: chr14-99174479-C-G. GRCh37 (hg19) VCF-style: chr14-99640816-C-G.
Other names: c.2354G>C, p.Arg785Pro (NM_001282237.2); c.2141G>C, p.Arg714Pro (NM_001282238.2); c.2144G>C, p.Arg715Pro (NM_022898.3); short protein forms R714P, R715P, R785P, R786P.
Identifiers: ClinVar variation 1472650 (VCV001472650.8), dbSNP rs1205632744, ClinGen allele CA390933414.
Genomic context (GRCh38, chr14:99,174,479, plus strand): 5'-TTGAACACCTTGCCGCAGTACTCGCACGTGTCGCTGCGGCGGCCCTCCTTGGAGCTGGGC[C>G]GCCCGGGGCCCGGGCCGCCCAGGTGCGGGGTGCTGCCTCCGCTGGCCGTGCCGCTGCGGC-3'
Protein context (NP_612808.1, residues 776-796): TPHLGGPGPG[Arg786Pro]PSSKEGRRSD